The following is an entry in ClinVar:

ClinVar aggregate classification (germline): Uncertain significance (1 of 4 stars; one submission).

gnomAD v4.1: 1 of 1,613,476 alleles (0.000062%); no homozygotes.

Submission:

Labcorp Genetics (formerly Invitae), Labcorp
Classification: Uncertain significance. Last evaluated: 2019-10-15. Review status: criteria provided, single submitter. Criteria: Invitae Variant Classification Sherloc (09022015). Collection method: clinical testing. Allele origin: germline.
Comment: Algorithms developed to predict the effect of missense changes on protein structure and function (SIFT, PolyPhen-2, Align-GVGD) all suggest that this variant is likely to be tolerated, but these predictions have not been confirmed by published functional studies and their clinical significance is uncertain. This variant has not been reported in the literature in individuals with RGS9-related conditions. This variant is not present in population databases (ExAC no frequency). This sequence change replaces phenylalanine with leucine at codon 16 of the RGS9 protein (p.Phe16Leu). The phenylalanine residue is moderately conserved and there is a small physicochemical difference between phenylalanine and leucine. In summary, the available evidence is currently insufficient to determine the role of this variant in disease. Therefore, it has been classified as a Variant of Uncertain Significance.

NM_003835.4(RGS9):c.46T>C (p.Phe16Leu)

Gene: RGS9 (regulator of G protein signaling 9; plus strand). Cytogenetic location: 17q24.1.
Variant type: single nucleotide variant.
Coding change: c.46T>C on transcript NM_003835.4 (MANE Select); coding-DNA position 46, T replaced by C.
Protein change: p.Phe16Leu; replaces phenylalanine 16 with leucine.
Molecular consequence: missense variant.
Genome position (GRCh38, 1-based): chr17:65,137,586, T>C. VCF-style: chr17-65137586-T-C. GRCh37 (hg19) VCF-style: chr17-63133704-T-C.
Other names: c.46T>C, p.Phe16Leu (NM_001081955.3, NM_001165933.2); short protein forms F16L.
Identifiers: ClinVar variation 969280 (VCV000969280.9), dbSNP rs1909956829, ClinGen allele CA400660358.